The following is an entry in ClinVar:

NM_000478.6(ALPL):c.521C>A (p.Pro174His)

Gene: ALPL (alkaline phosphatase, biomineralization associated; plus strand). Cytogenetic location: 1p36.12.
Variant type: single nucleotide variant.
Coding change: c.521C>A on transcript NM_000478.6 (MANE Select); coding-DNA position 521, C replaced by A.
Protein change: p.Pro174His; replaces proline 174 with histidine.
Molecular consequence: missense variant.
Genome position (GRCh38, 1-based): chr1:21,564,089, C>A. VCF-style: chr1-21564089-C-A. GRCh37 (hg19) VCF-style: chr1-21890582-C-A.
Other names: c.356C>A, p.Pro119His (NM_001127501.4); c.290C>A, p.Pro97His (NM_001177520.3); c.521C>A, p.Pro174His (NM_001369803.2, NM_001369804.2, NM_001369805.2); short protein forms P119H, P174H, P97H.
Identifiers: ClinVar variation 4974806 (VCV004974806.1).
Genomic context (GRCh38, chr1:21,564,089, plus strand): 5'-CCTGCACCCCAGGGAAATCTGTGGGCATTGTGACCACCACGAGAGTGAACCATGCCACCC[C>A]CAGCGCCGCCTACGCCCACTCGGCTGACCGGGACTGGTACTCAGACAACGAGATGCCCCC-3'
Protein context (NP_000469.3, residues 164-184): VTTTRVNHAT[Pro174His]SAAYAHSADR

ClinVar aggregate classification (germline): Uncertain significance (1 of 4 stars; one submission).

Conditions:
Hypophosphatasia. Also called: Phosphoethanol-aminuria. Identifiers: Orphanet 436, MedGen C0020630, MeSH D007014, MONDO:0018570.

Submission:

Genomenon, Inc
Classification: Uncertain significance for Hypophosphatasia. Last evaluated: 2026-09-01. Review status: criteria provided, single submitter. Criteria: Genomenon Sequence Variant Interpretation Standards - Updated. Collection method: curation. Allele origin: germline. Affected: yes.
Comment: ALPL p.Pro174His (c.521C>A) is a missense variant that changes the amino acid at codon 174 from Proline to Histidine. This variant has been observed in at least one proband affected with an ALPL-related disorder (PMID:40000791). It is absent or not present at a significant frequency in gnomAD. In silico models predict that this variant is possibly or probably damaging. In conclusion, we classify ALPL p.Pro174His (c.521C>A) as a variant of uncertain significance.

Literature cited by the submitters: PubMed 40000791.